The following is an entry in ClinVar:

ClinVar aggregate classification (germline): Uncertain significance (1 of 4 stars; one submission).

Submission:

Dasa
Classification: Uncertain significance. Last evaluated: 2026-05-06. Review status: criteria provided, single submitter. Criteria: DASA Assertion Criteria. Collection method: clinical testing. Allele origin: germline.
Comment: NM_004380.3(CREBBP):c.6331A>G (p.Asn2111Asp) is a missense variant that results in the substitution of asparagine with aspartic acid. This variant is absent from population databases. The currently available literature and clinical evidence are not sufficient to establish a definitive association between this variant and the reported condition. Therefore, this variant is classified as a variant of uncertain significance.

NM_004380.3(CREBBP):c.6331A>G (p.Asn2111Asp)

Gene: CREBBP (CREB binding lysine acetyltransferase; minus strand). Cytogenetic location: 16p13.3.
Variant type: single nucleotide variant.
Coding change: c.6331A>G on transcript NM_004380.3 (MANE Select); coding-DNA position 6331, A replaced by G.
Protein change: p.Asn2111Asp; replaces asparagine 2111 with aspartic acid.
Molecular consequence: missense variant.
Genome position (GRCh38, 1-based): chr16:3,728,716, T>C on the plus strand (A>G on the coding strand, the complement: CREBBP is on the minus strand). VCF-style: chr16-3728716-T-C. GRCh37 (hg19) VCF-style: chr16-3778717-T-C.
Other names: c.6217A>G, p.Asn2073Asp (NM_001079846.1); short protein forms N2073D, N2111D.
Identifiers: ClinVar variation 5020614 (VCV005020614.1).